The following is an entry in ClinVar:

NM_005359.6(SMAD4):c.1110C>A (p.Val370=)

Gene: SMAD4 (SMAD family member 4; plus strand). Cytogenetic location: 18q21.2.
Variant type: single nucleotide variant.
Coding change: c.1110C>A on transcript NM_005359.6 (MANE Select); coding-DNA position 1110, C replaced by A.
Protein change: p.Val370=; no amino-acid change (valine 370 retained).
Molecular consequence: synonymous variant. On other transcripts: non-coding transcript variant (2).
Genome position (GRCh38, 1-based): chr18:51,065,577, C>A. VCF-style: chr18-51065577-C-A. GRCh37 (hg19) VCF-style: chr18-48591947-C-A.
Other names: c.1110C>A, p.Val370= (NM_001407041.1, NM_001407042.1, NM_001407043.1).
Identifiers: ClinVar variation 3904061 (VCV003904061.1).
Genomic context (GRCh38, chr18:51,065,577, plus strand): 5'-TGATGGATACGTGGACCCTTCTGGAGGAGATCGCTTTTGTTTGGGTCAACTCTCCAATGT[C>A]CACAGGACAGAAGCCATTGAGAGAGCAAGGTATTGATTGTATAGTCAGATAGTTACTTTA-3'
Protein context (NP_005350.1, residues 360-380): DRFCLGQLSN[Val370=]HRTEAIERAR

ClinVar aggregate classification (germline): Benign (1 of 4 stars; one submission).

Conditions:
Juvenile polyposis/hereditary hemorrhagic telangiectasia syndrome (JPHT). Also called: JP/HHT SYNDROME; JUVENILE POLYPOSIS WITH HEREDITARY HEMORRHAGIC TELANGIECTASIA; POLYPOSIS, GENERALIZED JUVENILE, WITH PULMONARY ARTERIOVENOUS MALFORMATION; TELANGIECTASIA, HEREDITARY HEMORRHAGIC, WITH JUVENILE POLYPOSIS COLI; Juvenile Polyposis Syndrome / Hereditary Hemorrhagic Telangiectasia (JPS/HHT). Identifiers: Orphanet 2929, MedGen C1832942, MONDO:0008278, OMIM 175050.

Submission:

Myriad Genetics, Inc.
Classification: Benign for Juvenile polyposis/hereditary hemorrhagic telangiectasia syndrome. Last evaluated: 2025-03-21. Review status: criteria provided, single submitter. Criteria: Myriad Autosomal Dominant, Autosomal Recessive and X-Linked Classification Criteria (2023). Collection method: clinical testing. Allele origin: unknown.
Comment: This variant is considered benign. This variant is a silent/synonymous amino acid change and it is not expected to impact splicing.